The following is an entry in ClinVar:

ClinVar aggregate classification (germline): Uncertain significance (1 of 4 stars; one submission).

Conditions:
Baller-Gerold syndrome (BGS). Also called: CRANIOSYNOSTOSIS WITH RADIAL DEFECTS. Identifiers: Orphanet 1225, MedGen C0265308, MONDO:0009039, OMIM 218600.

Submission:

Labcorp Genetics (formerly Invitae), Labcorp
Classification: Uncertain significance for Baller-Gerold syndrome. Last evaluated: 2025-01-12. Review status: criteria provided, single submitter. Criteria: Invitae Variant Classification Sherloc (09022015). Collection method: clinical testing. Allele origin: germline.
Comment: This sequence change falls in intron 15 of the RECQL4 gene. It does not directly change the encoded amino acid sequence of the RECQL4 protein. This variant is not present in population databases (gnomAD no frequency). This variant has not been reported in the literature in individuals affected with RECQL4-related conditions. ClinVar contains an entry for this variant (Variation ID: 569142). Algorithms developed to predict the effect of sequence changes on RNA splicing suggest that this variant may disrupt the consensus splice site. In summary, the available evidence is currently insufficient to determine the role of this variant in disease. Therefore, it has been classified as a Variant of Uncertain Significance.

NM_004260.4(RECQL4):c.2756-6C>G

Gene: RECQL4 (RecQ like helicase 4; minus strand). Cytogenetic location: 8q24.3.
Variant type: single nucleotide variant.
Coding change: c.2756-6C>G on transcript NM_004260.4 (MANE Select); 6 bases into the intron before coding-DNA position 2756, C replaced by G.
Molecular consequence: intron variant.
Genome position (GRCh38, 1-based): chr8:144,512,777, G>C on the plus strand (C>G on the coding strand, the complement: RECQL4 is on the minus strand). VCF-style: chr8-144512777-G-C. GRCh37 (hg19) VCF-style: chr8-145738160-G-C.
Identifiers: ClinVar variation 569142 (VCV000569142.5), dbSNP rs369289550, ClinGen allele CA463566072.
Genomic context (GRCh38, chr8:144,512,777, plus strand): 5'-AGCTCCAGCCAGTGGTGTGGGTGCAGCTCCAGGTAGCACAGCAAAGTCTCGATGGCTGGG[G>C]GCAGAGCAGGGCTCAGCGGACGCGGGGACAGCCCCTCCACACCCCTGTGGCTTACCCCAG-3'